The following is an entry in ClinVar:

ClinVar aggregate classification (germline): Benign/Likely benign. Review status: criteria provided, multiple submitters, no conflicts (2 of 4 stars). 2 submissions from 2 submitters: Benign (1); Likely benign (1). Last evaluated 2025-02-16.

Conditions:
Leigh syndrome (NULS). Also called: Leigh's necrotizing encephalopathy; Leigh's disease; Leigh Syndrome (mtDNA deletion); Leigh Disease; Subacute necrotizing encephalopathy; Necrotizing encephalopathy infantile subacute of Leigh. Identifiers: Orphanet 506, MedGen C2931891, MONDO:0009723, OMIM 256000.

Submissions (2):

Laboratory of Genetics, Children's Clinical University Hospital Latvia
Classification: Likely benign. Last evaluated: 2025-02-16. Review status: criteria provided, single submitter. Criteria: ACMG Guidelines, 2015. Collection method: clinical testing. Allele origin: germline. Affected: yes.

Wong Mito Lab, Molecular and Human Genetics, Baylor College of Medicine
Classification: Benign for Leigh syndrome. Last evaluated: 2019-10-17. Review status: criteria provided, single submitter. Criteria: Modified ACMG Guidelines (Unpublished). Collection method: clinical testing. Allele origin: germline.
Comment: The NC_012920.1:m.9196G>A (YP_003024031.1:p.Asp224Asn) variant in MTATP6 gene is interpretated to be a Benign variant based on the modified ACMG guidelines (unpublished). This variant meets the following evidence codes: BS1, BS2

NC_012920.1(MT-ATP6):m.9196G>A

Gene: MT-ATP6 (mitochondrially encoded ATP synthase 6; plus strand).
Variant type: single nucleotide variant.
Genome position: chrM-9196-G-A.
Identifiers: ClinVar variation 693122 (VCV000693122.2), dbSNP rs374870159, ClinGen allele CA337098270.